The following is an entry in ClinVar:

NM_001365088.1(SLC12A6):c.953T>C (p.Met318Thr)

Gene: SLC12A6 (solute carrier family 12 member 6; minus strand). Cytogenetic location: 15q14.
Variant type: single nucleotide variant.
Coding change: c.953T>C on transcript NM_001365088.1 (MANE Select); coding-DNA position 953, T replaced by C.
Protein change: p.Met318Thr; replaces methionine 318 with threonine.
Molecular consequence: missense variant.
Genome position (GRCh38, 1-based): chr15:34,254,513, A>G on the plus strand (T>C on the coding strand, the complement: SLC12A6 is on the minus strand). VCF-style: chr15-34254513-A-G. GRCh37 (hg19) VCF-style: chr15-34546714-A-G.
Other names: c.776T>C, p.Met259Thr (NM_001042494.2, NM_001042495.2); c.926T>C, p.Met309Thr (NM_001042496.2); c.908T>C, p.Met303Thr (NM_001042497.2); c.800T>C, p.Met267Thr (NM_005135.2); c.953T>C, p.Met318Thr (NM_133647.2); short protein forms M259T, M267T, M303T, M309T, M318T.
Identifiers: ClinVar variation 991881 (VCV000991881.4), dbSNP rs777759928, ClinGen allele CA7464435.

ClinVar aggregate classification (germline): Uncertain significance. Review status: criteria provided, single submitter (1 of 4 stars). 2 submissions from 2 submitters: Uncertain significance (1). 1 of the submissions does not count toward it. Last evaluated 2023-03-13.

Conditions:
Agenesis of the corpus callosum with peripheral neuropathy (ACCPN). Also called: Hereditary Motor and Sensory Neuropathy with Agenesis of the Corpus Callosum; POLYNEUROPATHY, SENSORIMOTOR, WITH OR WITHOUT AGENESIS OF THE CORPUS CALLOSUM; HMSN/ACC; CHARLEVOIX DISEASE. Identifiers: Orphanet 1496, MedGen C0795950, MONDO:0000902, OMIM 218000. Disease mechanism: loss of function.

Allele frequency attached by ClinVar (database versions not stated): gnomAD 0.00001; TOPMed 0.00001; gnomAD exomes 0.00002 and 0.00004; ExAC 0.00006.
gnomAD v4.1: 26 of 1,613,010 alleles (0.0016%); highest among the groups gnomAD compares: Non-Finnish European, 0.0022%; no homozygotes.

Submissions (2):

Labcorp Genetics (formerly Invitae), Labcorp
Classification: Uncertain significance. Last evaluated: 2023-03-13. Review status: criteria provided, single submitter. Criteria: Invitae Variant Classification Sherloc (09022015). Collection method: clinical testing. Allele origin: germline.
Comment: This sequence change replaces methionine, which is neutral and non-polar, with threonine, which is neutral and polar, at codon 318 of the SLC12A6 protein (p.Met318Thr). This variant is present in population databases (rs777759928, gnomAD 0.008%). This variant has not been reported in the literature in individuals affected with SLC12A6-related conditions. ClinVar contains an entry for this variant (Variation ID: 991881). Advanced modeling of protein sequence and biophysical properties (such as structural, functional, and spatial information, amino acid conservation, physicochemical variation, residue mobility, and thermodynamic stability) has been performed at Invitae for this missense variant, however the output from this modeling did not meet the statistical confidence thresholds required to predict the impact of this variant on SLC12A6 protein function. In summary, the available evidence is currently insufficient to determine the role of this variant in disease. Therefore, it has been classified as a Variant of Uncertain Significance.

Natera, Inc.
Classification: Uncertain significance for Andermann syndrome. Last evaluated: 2020-04-18. Review status: no assertion criteria provided. Collection method: clinical testing. Allele origin: germline. Not counted in ClinVar's aggregate classification.